The following is an entry in ClinVar:

NM_000264.5(PTCH1):c.1119C>A (p.Tyr373Ter)

Gene: PTCH1 (patched 1; minus strand). Cytogenetic location: 9q22.32.
Variant type: single nucleotide variant.
Coding change: c.1119C>A on transcript NM_000264.5 (MANE Select); coding-DNA position 1119, C replaced by A.
Protein change: p.Tyr373Ter; replaces tyrosine 373 with a stop codon.
Molecular consequence: nonsense. On other transcripts: non-coding transcript variant (1).
Genome position (GRCh38, 1-based): chr9:95,479,096, G>T on the plus strand (C>A on the coding strand, the complement: PTCH1 is on the minus strand). VCF-style: chr9-95479096-G-T. GRCh37 (hg19) VCF-style: chr9-98241378-G-T.
Other names: c.921C>A, p.Tyr307Ter (NM_001083602.3); c.1116C>A, p.Tyr372Ter (NM_001083603.3); c.666C>A, p.Tyr222Ter (NM_001083604.3, NM_001083605.3, NM_001083606.3 and 1 more transcripts); c.1119C>A, p.Tyr373Ter (NM_001354918.2); short protein forms Y222*, Y307*, Y372*, Y373*.
Identifiers: ClinVar variation 4851596 (VCV004851596.1).

ClinVar aggregate classification (germline): Pathogenic (1 of 4 stars; one submission).

Conditions:
Basal cell nevus syndrome 1 (BCNS1). Also called: GORLIN-GOLTZ SYNDROME; MULTIPLE BASAL CELL NEVI, ODONTOGENIC KERATOCYSTS, AND SKELETAL ANOMALIES. Identifiers: MedGen CN376810, MONDO:0958174, OMIM 109400.

Submission:

CGC Genetics, Unilabs
Classification: Pathogenic for Basal cell nevus syndrome 1. Last evaluated: 2025-12-09. Review status: criteria provided, single submitter. Criteria: ACMG Guidelines, 2015. Collection method: clinical testing. Allele origin: germline. Inheritance: Autosomal dominant inheritance. Affected: yes. Observed: 1 variant allele.
Comment: The NM_000264.5:c.1119C>A p.(Tyr373*) variant, detected in heterozygosity in the PTCH1 gene (chr.9), is not reported in the literature nor in the gnomAD or ClinVar databases. This is a nonsense variant located in exon 8 (gene with 24 exons), which introduces a premature stop codon and is therefore expected to result in a truncated protein and/or reduced gene expression due to mRNA degradation. Additionally, the clinical information suggests a phenotype compatible with the pathology associated with this gene. Based on the currently available information, this variant should be classified as pathogenic.